The following is an entry in ClinVar:

ClinVar aggregate classification (germline): Uncertain significance (1 of 4 stars; one submission).

Conditions:
Hereditary cancer-predisposing syndrome. Also called: Hereditary Cancer Syndrome; Tumor predisposition; Hereditary neoplastic syndrome; Neoplastic Syndromes, Hereditary. Identifiers: Orphanet 140162, MedGen C0027672, MeSH D009386, MONDO:0015356.

Submission:

Ambry Genetics
Classification: Uncertain significance for Hereditary cancer-predisposing syndrome. Last evaluated: 2024-06-25. Review status: criteria provided, single submitter. Criteria: Ambry Variant Classification Scheme 2023. Collection method: clinical testing. Allele origin: germline.
Comment: The p.G986E variant (also known as c.2957G>A), located in coding exon 21 of the MSH3 gene, results from a G to A substitution at nucleotide position 2957. The glycine at codon 986 is replaced by glutamic acid, an amino acid with similar properties. This amino acid position is conserved. In addition, this alteration is predicted to be deleterious by in silico analysis. Based on the available evidence, the clinical significance of this variant remains unclear.

NM_002439.5(MSH3):c.2957G>A (p.Gly986Glu)

Gene: MSH3 (mutS homolog 3; plus strand). Cytogenetic location: 5q14.1.
Variant type: single nucleotide variant.
Coding change: c.2957G>A on transcript NM_002439.5 (MANE Select); coding-DNA position 2957, G replaced by A.
Protein change: p.Gly986Glu; replaces glycine 986 with glutamic acid.
Molecular consequence: missense variant.
Genome position (GRCh38, 1-based): chr5:80,854,273, G>A. VCF-style: chr5-80854273-G-A. GRCh37 (hg19) VCF-style: chr5-80150092-G-A.
Other names: short protein forms G986E.
Identifiers: ClinVar variation 3398685 (VCV003398685.1).